The following is an entry in ClinVar:

ClinVar aggregate classification (germline): Uncertain significance (1 of 4 stars; one submission).

Conditions:
Inborn genetic diseases. Identifiers: MedGen C0950123, MeSH D030342.

Submission:

Ambry Genetics
Classification: Uncertain significance for Inborn genetic diseases. Last evaluated: 2021-07-23. Review status: criteria provided, single submitter. Criteria: Ambry Variant Classification Scheme 2023. Collection method: clinical testing. Allele origin: germline.
Comment: The p.D867H variant (also known as c.2599G>C), located in coding exon 12 of the ATR gene, results from a G to C substitution at nucleotide position 2599. The aspartic acid at codon 867 is replaced by histidine, an amino acid with similar properties. This amino acid position is conserved. In addition, the in silico prediction for this alteration is inconclusive. Since supporting evidence is limited at this time, the clinical significance of this alteration remains unclear.

NM_001184.4(ATR):c.2599G>C (p.Asp867His)

Gene: ATR (ATR checkpoint kinase; minus strand). Cytogenetic location: 3q23.
Variant type: single nucleotide variant.
Coding change: c.2599G>C on transcript NM_001184.4 (MANE Select); coding-DNA position 2599, G replaced by C.
Protein change: p.Asp867His; replaces aspartic acid 867 with histidine.
Molecular consequence: missense variant.
Genome position (GRCh38, 1-based): chr3:142,553,674, C>G on the plus strand (G>C on the coding strand, the complement: ATR is on the minus strand). VCF-style: chr3-142553674-C-G. GRCh37 (hg19) VCF-style: chr3-142272516-C-G.
Other names: c.2407G>C, p.Asp803His (NM_001354579.2); short protein forms D803H, D867H.
Identifiers: ClinVar variation 1793605 (VCV001793605.2), dbSNP rs754022724, ClinGen allele CA354815458.